The following is an entry in ClinVar:

ClinVar aggregate classification (germline): Likely benign. Review status: criteria provided, multiple submitters, no conflicts (2 of 4 stars). 6 submissions from 6 submitters: Likely benign (6). Last evaluated 2026-01-05.

Conditions:
Cardiac arrhythmia. Also called: Cardiac rhythm disease; Arrhythmia. Identifiers: MedGen C0003811, MONDO:0007263, HP:0011675.
Long QT syndrome (LQTS). Identifiers: MedGen C0023976, MeSH D008133, MONDO:0002442. Disease mechanism: loss of function. Inheritance: Various modes of inheritance.

Allele frequency attached by ClinVar (database versions not stated): gnomAD exomes 0.00003 and 0.00004; TOPMed 0.00004; gnomAD 0.00006; ESP Exome Variant Server 0.00009; ExAC 0.00017.
gnomAD v4.1: 62 of 1,547,114 alleles (0.004%); highest among the groups gnomAD compares: Non-Finnish European, 0.0051%; no homozygotes.

Submissions (6):

Labcorp Genetics (formerly Invitae), Labcorp
Classification: Likely benign for Long QT syndrome. Last evaluated: 2026-01-05. Review status: criteria provided, single submitter. Criteria: Invitae Variant Classification Sherloc (09022015). Collection method: clinical testing. Allele origin: germline.

CeGaT Center for Human Genetics Tuebingen
Classification: Likely benign. Last evaluated: 2025-02-01. Review status: criteria provided, single submitter. Criteria: CeGaT Center For Human Genetics Tuebingen Variant Classification Criteria Version 2. Collection method: clinical testing. Allele origin: germline. Affected: yes. Observed: 2 variant alleles.
Comment: KCNH2: BP4, BP7

Blueprint Genetics
Classification: Likely benign. Last evaluated: 2024-11-11. Review status: criteria provided, single submitter. Criteria: ACMG Guidelines, 2015. Collection method: clinical testing. Allele origin: germline.

All of Us Research Program, National Institutes of Health
Classification: Likely benign for Long QT syndrome. Last evaluated: 2023-12-07. Review status: criteria provided, single submitter. Criteria: ACMG Guidelines, 2015. Collection method: clinical testing. Allele origin: germline. Inheritance: Autosomal dominant inheritance. Observed: 13 variant alleles, 13 heterozygotes.
Comment: This study involves interpretation of variants in research participants for the purpose of population health screening. Participant phenotype was not available at the time of variant classification. Additional details can be found in publication PMID: 35346344, PMCID: PMC8962531

Color Diagnostics, LLC DBA Color Health
Classification: Likely benign for Arrhythmia. Last evaluated: 2019-04-20. Review status: criteria provided, single submitter. Criteria: ACMG Guidelines, 2015. Collection method: clinical testing. Allele origin: germline.

GeneDx
Classification: Likely benign. Last evaluated: 2016-03-28. Review status: criteria provided, single submitter. Criteria: GeneDx Variant Classification (06012015). Collection method: clinical testing. Allele origin: germline. Affected: yes.
Comment: This variant is considered likely benign or benign based on one or more of the following criteria: it is a conservative change, it occurs at a poorly conserved position in the protein, it is predicted to be benign by multiple in silico algorithms, and/or has population frequency not consistent with disease.

NM_000238.4(KCNH2):c.3108C>T (p.Gly1036=)

Gene: KCNH2 (potassium voltage-gated channel subfamily H member 2; minus strand). Cytogenetic location: 7q36.1.
Variant type: single nucleotide variant.
Coding change: c.3108C>T on transcript NM_000238.4 (MANE Select); coding-DNA position 3108, C replaced by T.
Protein change: p.Gly1036=; no amino-acid change (glycine 1036 retained).
Molecular consequence: synonymous variant.
Genome position (GRCh38, 1-based): chr7:150,947,372, G>A on the plus strand (C>T on the coding strand, the complement: KCNH2 is on the minus strand). VCF-style: chr7-150947372-G-A. GRCh37 (hg19) VCF-style: chr7-150644460-G-A.
Other names: c.2088C>T, p.Gly696= (NM_172057.3).
Identifiers: ClinVar variation 385123 (VCV000385123.32), dbSNP rs373414022, ClinGen allele CA037083.